The following is an entry in ClinVar:

NM_002485.5(NBN):c.1290G>C (p.Gln430His)

Gene: NBN (nibrin; minus strand). Cytogenetic location: 8q21.3.
Variant type: single nucleotide variant.
Coding change: c.1290G>C on transcript NM_002485.5 (MANE Select); coding-DNA position 1290, G replaced by C.
Protein change: p.Gln430His; replaces glutamine 430 with histidine.
Molecular consequence: missense variant.
Genome position (GRCh38, 1-based): chr8:89,955,390, C>G on the plus strand (G>C on the coding strand, the complement: NBN is on the minus strand). VCF-style: chr8-89955390-C-G. GRCh37 (hg19) VCF-style: chr8-90967618-C-G.
Other names: c.1044G>C, p.Gln348His (NM_001024688.3); short protein forms Q430H, Q348H.
Identifiers: ClinVar variation 461500 (VCV000461500.13), dbSNP rs1554559149, ClinGen allele CA371656184.

ClinVar aggregate classification (germline): Uncertain significance. Review status: criteria provided, multiple submitters, no conflicts (2 of 4 stars). 4 submissions from 4 submitters: Uncertain significance (3). 1 of the submissions does not count toward it. Last evaluated 2023-08-22.

Conditions:
Hereditary cancer-predisposing syndrome. Also called: Hereditary neoplastic syndrome; Neoplastic Syndromes, Hereditary; Tumor predisposition; Hereditary Cancer Syndrome. Identifiers: Orphanet 140162, MedGen C0027672, MeSH D009386, MONDO:0015356.
Microcephaly, normal intelligence and immunodeficiency (NBS). Also called: IMMUNODEFICIENCY, MICROCEPHALY, AND CHROMOSOMAL INSTABILITY; SEEMANOVA SYNDROME II; Nijmegen breakage syndrome; Microcephaly with normal intelligence immunodeficiency and lymphoreticular malignancies; Nonsyndromal microcephaly autosomal recessive with normal intelligence; Seemanova syndrome 2. Identifiers: Orphanet 647, MedGen C0398791, MONDO:0009623, OMIM 251260.

Submissions (4):

Ambry Genetics
Classification: Uncertain significance for Hereditary cancer-predisposing syndrome. Last evaluated: 2023-08-22. Review status: criteria provided, single submitter. Criteria: Ambry Variant Classification Scheme 2023. Collection method: clinical testing. Allele origin: germline.
Comment: The p.Q430H variant (also known as c.1290G>C), located in coding exon 10 of the NBN gene, results from a G to C substitution at nucleotide position 1290. The glutamine at codon 430 is replaced by histidine, an amino acid with highly similar properties. This amino acid position is well conserved in available vertebrate species. In addition, this alteration is predicted to be tolerated by in silico analysis. Since supporting evidence is limited at this time, the clinical significance of this alteration remains unclear.

Labcorp Genetics (formerly Invitae), Labcorp
Classification: Uncertain significance for Microcephaly, normal intelligence and immunodeficiency. Last evaluated: 2022-04-08. Review status: criteria provided, single submitter. Criteria: Invitae Variant Classification Sherloc (09022015). Collection method: clinical testing. Allele origin: germline.
Comment: This sequence change replaces glutamine, which is neutral and polar, with histidine, which is basic and polar, at codon 430 of the NBN protein (p.Gln430His). This variant is not present in population databases (gnomAD no frequency). This variant has not been reported in the literature in individuals affected with NBN-related conditions. ClinVar contains an entry for this variant (Variation ID: 461500). Algorithms developed to predict the effect of missense changes on protein structure and function are either unavailable or do not agree on the potential impact of this missense change (SIFT: "Tolerated"; PolyPhen-2: "Possibly Damaging"; Align-GVGD: "Class C0"). In summary, the available evidence is currently insufficient to determine the role of this variant in disease. Therefore, it has been classified as a Variant of Uncertain Significance.

Genome-Nilou Lab
Classification: Uncertain significance for Microcephaly, normal intelligence and immunodeficiency. Last evaluated: 2021-11-07. Review status: criteria provided, single submitter. Criteria: ACMG Guidelines, 2015. Collection method: clinical testing. Allele origin: germline. Affected: no.

Natera, Inc.
Classification: Uncertain significance for Nijmegen breakage syndrome. Last evaluated: 2020-09-16. Review status: no assertion criteria provided. Collection method: clinical testing. Allele origin: germline. Not counted in ClinVar's aggregate classification.